The following is an entry in ClinVar:

NM_139076.3(ABRAXAS1):c.388C>G (p.Leu130Val)

Gene: ABRAXAS1 (abraxas 1, BRCA1 A complex subunit; minus strand). Cytogenetic location: 4q21.23.
Variant type: single nucleotide variant.
Coding change: c.388C>G on transcript NM_139076.3 (MANE Select); coding-DNA position 388, C replaced by G.
Protein change: p.Leu130Val; replaces leucine 130 with valine.
Molecular consequence: missense variant.
Genome position (GRCh38, 1-based): chr4:83,470,291, G>C on the plus strand (C>G on the coding strand, the complement: ABRAXAS1 is on the minus strand). VCF-style: chr4-83470291-G-C. GRCh37 (hg19) VCF-style: chr4-84391444-G-C.
Other names: c.61C>G, p.Leu21Val (NM_001345962.2); short protein forms L130V, L21V.
Identifiers: ClinVar variation 1800073 (VCV001800073.3), dbSNP rs2529438107, ClinGen allele CA357259848.

ClinVar aggregate classification (germline): Uncertain significance (1 of 4 stars; one submission).

Allele frequency attached by ClinVar (database versions not stated): gnomAD exomes below 0.00001.

Submission:

Ambry Genetics
Classification: Uncertain significance. Last evaluated: 2025-03-20. Review status: criteria provided, single submitter. Criteria: Ambry Variant Classification Scheme 2023. Collection method: clinical testing. Allele origin: germline.
Comment: The p.L130V variant (also known as c.388C>G), located in coding exon 5 of the FAM175A gene, results from a C to G substitution at nucleotide position 388. The leucine at codon 130 is replaced by valine, an amino acid with highly similar properties. This amino acid position is conserved. In addition, the in silico prediction for this alteration is inconclusive. Since supporting evidence is limited at this time, the clinical significance of this alteration remains unclear.